The following is an entry in ClinVar:

NM_001291303.3(FAT4):c.6851C>T (p.Ala2284Val)

Gene: FAT4 (FAT atypical cadherin 4; plus strand). Cytogenetic location: 4q28.1.
Variant type: single nucleotide variant.
Coding change: c.6851C>T on transcript NM_001291303.3 (MANE Select); coding-DNA position 6851, C replaced by T.
Protein change: p.Ala2284Val; replaces alanine 2284 with valine.
Molecular consequence: missense variant.
Genome position (GRCh38, 1-based): chr4:125,416,455, C>T. VCF-style: chr4-125416455-C-T. GRCh37 (hg19) VCF-style: chr4-126337610-C-T.
Other names: c.6851C>T, p.Ala2284Val (NM_001291285.3, NM_024582.6); short protein forms A2284V.
Identifiers: ClinVar variation 1368084 (VCV001368084.5), dbSNP rs2126028801, ClinGen allele CA358131413.

ClinVar aggregate classification (germline): Uncertain significance (1 of 4 stars; one submission).

Submission:

Labcorp Genetics (formerly Invitae), Labcorp
Classification: Uncertain significance. Last evaluated: 2021-08-14. Review status: criteria provided, single submitter. Criteria: Invitae Variant Classification Sherloc (09022015). Collection method: clinical testing. Allele origin: germline.
Comment: This sequence change replaces alanine with valine at codon 2284 of the FAT4 protein (p.Ala2284Val). The alanine residue is highly conserved and there is a small physicochemical difference between alanine and valine. This variant is not present in population databases (ExAC no frequency). This variant has not been reported in the literature in individuals affected with FAT4-related conditions. Advanced modeling of protein sequence and biophysical properties (such as structural, functional, and spatial information, amino acid conservation, physicochemical variation, residue mobility, and thermodynamic stability) performed at Invitae indicates that this missense variant is not expected to disrupt FAT4 protein function. Algorithms developed to predict the effect of sequence changes on RNA splicing suggest that this variant may create or strengthen a splice site. In summary, the available evidence is currently insufficient to determine the role of this variant in disease. Therefore, it has been classified as a Variant of Uncertain Significance.